The following is an entry in ClinVar:

NM_022124.6(CDH23):c.5191dup (p.Leu1731fs)

Gene: CDH23 (cadherin related 23; plus strand). Cytogenetic location: 10q22.1.
Variant type: Duplication.
Coding change: c.5191dup on transcript NM_022124.6 (MANE Select); coding-DNA position 5191, one base duplicated (C; older notation c.5191dupC).
Protein change: p.Leu1731fs; shifts the reading frame from leucine 1731.
Molecular consequence: frameshift variant.
Genome position (GRCh38, 1-based): chr10:71,779,270, C duplicated. VCF-style (leftmost placement, unchanged base first): chr10-71779269-G-GC. GRCh37 (hg19) VCF-style: chr10-73539026-G-GC.
Other names: short protein forms L1731fs.
Identifiers: ClinVar variation 963822 (VCV000963822.7), dbSNP rs1840892582, ClinGen allele CA1139661507.

ClinVar aggregate classification (germline): Pathogenic (1 of 4 stars; one submission).

Allele frequency attached by ClinVar (database versions not stated): gnomAD exomes 0.00001.

Submission:

Labcorp Genetics (formerly Invitae), Labcorp
Classification: Pathogenic. Last evaluated: 2019-11-04. Review status: criteria provided, single submitter. Criteria: Invitae Variant Classification Sherloc (09022015). Collection method: clinical testing. Allele origin: germline.
Comment: This sequence change creates a premature translational stop signal (p.Leu1731Profs*6) in the CDH23 gene. It is expected to result in an absent or disrupted protein product. This variant is not present in population databases (ExAC no frequency). This variant has not been reported in the literature in individuals with CDH23-related conditions. Loss-of-function variants in CDH23 are known to be pathogenic (PMID: 11138009, 21940737). For these reasons, this variant has been classified as Pathogenic.

Literature cited by the submitters: PubMed 11138009; PubMed 21940737.